The following is an entry in ClinVar:

NM_000489.6(ATRX):c.1960C>T (p.Arg654Ter)

Gene: ATRX (ATRX chromatin remodeler; minus strand). Cytogenetic location: Xq21.1.
Variant type: single nucleotide variant.
Coding change: c.1960C>T on transcript NM_000489.6 (MANE Select); coding-DNA position 1960, C replaced by T.
Protein change: p.Arg654Ter; replaces arginine 654 with a stop codon.
Molecular consequence: nonsense.
Genome position (GRCh38, 1-based): chrX:77,683,296, G>A on the plus strand (C>T on the coding strand, the complement: ATRX is on the minus strand). VCF-style: chrX-77683296-G-A. GRCh37 (hg19) VCF-style: chrX-76938788-G-A.
Other names: c.1960C>T (NM_000489.5); c.1846C>T, p.Arg616Ter (NM_138270.5); short protein forms R616*, R654*.
Identifiers: ClinVar variation 1073930 (VCV001073930.8), dbSNP rs1557140492, ClinGen allele CA413715204.

ClinVar aggregate classification (germline): Pathogenic. Review status: criteria provided, multiple submitters, no conflicts (2 of 4 stars). 2 submissions from 2 submitters: Pathogenic (2). Last evaluated 2024-10-08.

Conditions:
ATR-X-related syndrome. Identifiers: MedGen CN257940, MONDO:0016980.
Alpha thalassemia-X-linked intellectual disability syndrome (ATRX). Also called: ALPHA-THALASSEMIA/MENTAL RETARDATION SYNDROME, X-LINKED; ATR, NONDELETION TYPE; ATR-X syndrome; Alpha thalassemia mental retardation syndrome, nondeletion type, X-linked; XLMR hypotonic face syndrome; X-linked alpha-thalassemia-mental retardation syndrome. Identifiers: Orphanet 847, MedGen C1845055, MONDO:0010519, OMIM 301040.

Submissions (2):

Victorian Clinical Genetics Services, Murdoch Childrens Research Institute
Classification: Pathogenic for ATR-X-related syndrome. Last evaluated: 2024-10-08. Review status: criteria provided, single submitter. Criteria: ACMG Guidelines, 2015. Collection method: clinical testing. Allele origin: germline. Inheritance: X-linked inheritance.
Comment: Based on the classification scheme VCGS_Germline_v1.3.4, this variant is classified as Pathogenic. Following criteria are met: 0102 - Loss of function is a known mechanism of disease in this gene and is associated with ATRX-related conditions. (I) 0108 - This gene is associated with both X-linked recessive and dominant disease. Carrier females may be asymptomatic, or affected with alpha-thalassaemia syndrome (OMIM). (I) 0115 - Variants in this gene are known to have variable expressivity. Variable severity and phenotypes have been observed among individuals with the same variant (PMID: 24805811, 23820649). (I) 0201 - Variant is predicted to cause nonsense-mediated decay (NMD) and loss of protein (premature termination codon is located at least 54 nucleotides upstream of the final exon-exon junction). (SP) 0251 - This variant is heterozygous. (I) 0301 - Variant is absent from gnomAD (both v2 and v3). (SP) 0701 - Other NMD predicted variants comparable to the one identified in this case have very strong previous evidence for pathogenicity (DECIPHER). (SP) 0803 - This variant has limited previous evidence of pathogenicity in an unrelated individual. This variant has been classified as pathogenic by a clinical laboratory in ClinVar (SP) 0905 - No published segregation evidence has been identified for this variant. (I) 1007 - No published functional evidence has been identified for this variant. (I) Legend: (SP) - Supporting pathogenic, (I) - Information, (SB) - Supporting benign

Labcorp Genetics (formerly Invitae), Labcorp
Classification: Pathogenic for Alpha thalassemia-X-linked intellectual disability syndrome. Last evaluated: 2020-08-11. Review status: criteria provided, single submitter. Criteria: Invitae Variant Classification Sherloc (09022015). Collection method: clinical testing. Allele origin: germline.
Comment: This sequence change creates a premature translational stop signal (p.Arg654*) in the ATRX gene. It is expected to result in an absent or disrupted protein product. For these reasons, this variant has been classified as Pathogenic. Loss-of-function variants in ATRX are known to be pathogenic (PMID: 18409179, 23681356). This variant has not been reported in the literature in individuals with ATRX-related conditions. This variant is not present in population databases (ExAC no frequency).

Literature cited by the submitters: PubMed 23820649 (cited by Victorian Clinical Genetics Services, Murdoch Childrens Research Institute); PubMed 24805811 (cited by Victorian Clinical Genetics Services, Murdoch Childrens Research Institute); PubMed 18409179 (cited by Labcorp Genetics (formerly Invitae), Labcorp); PubMed 23681356 (cited by Labcorp Genetics (formerly Invitae), Labcorp).